The following is an entry in ClinVar:

NM_001012614.2(CTBP1):c.1232C>T (p.Ser411Phe)

Genes: CTBP1 (C-terminal binding protein 1; minus strand), CTBP1-AS (CTBP1 antisense RNA; plus strand). Cytogenetic location: 4p16.3.
Variant type: single nucleotide variant.
Coding change: c.1232C>T on transcript NM_001012614.2 (MANE Select); coding-DNA position 1232, C replaced by T.
Protein change: p.Ser411Phe; replaces serine 411 with phenylalanine.
Molecular consequence: missense variant. On other transcripts: non-coding transcript variant (1).
Genome position (GRCh38, 1-based): chr4:1,212,298, G>A on the plus strand (C>T on the coding strand, the complement: CTBP1 is on the minus strand). VCF-style: chr4-1212298-G-A. GRCh37 (hg19) VCF-style: chr4-1206086-G-A.
Other names: c.1265C>T, p.Ser422Phe (NM_001328.3); c.1268C>T, p.Ser423Phe (NM_001377186.1); c.1235C>T, p.Ser412Phe (NM_001377187.1, NM_001377188.1, NM_001377189.1 and 1 more transcripts); c.1232C>T, p.Ser411Phe (NM_001377191.1, NM_001377192.1, NM_001377193.1); short protein forms S411F, S412F, S422F, S423F.
Identifiers: ClinVar variation 3391558 (VCV003391558.1).
Genomic context (GRCh38, chr4:1,212,298, plus strand): 5'-GGCTACAACTGGTCACTGGCGTGGTCTCTATCCGCCTCGGGCTTGACGGTTTGGCCAGGA[G>A]AAGGGGCGTGGGGCGGGTGGGCCACAGGGGGCAGGCCGTGGGACAGGGACATGGCGCTGG-3'
Protein context (NP_001012632.1, residues 401-421): PPVAHPPHAP[Ser411Phe]PGQTVKPEAD

ClinVar aggregate classification (germline): Uncertain significance (1 of 4 stars; one submission).

gnomAD v4.1: 1 of 1,336,558 alleles (0.000075%); highest among the groups gnomAD compares: Admixed American, 0.0023%; no homozygotes.

Submission:

GeneDx
Classification: Uncertain significance. Last evaluated: 2024-06-23. Review status: criteria provided, single submitter. Criteria: GeneDx Variant Classification Process June 2021. Collection method: clinical testing. Allele origin: germline. Affected: yes.
Comment: Not observed at significant frequency in large population cohorts (gnomAD); In silico analysis supports that this missense variant has a deleterious effect on protein structure/function; Has not been previously published as pathogenic or benign to our knowledge